The following is an entry in ClinVar:

NM_000540.3(RYR1):c.12624+14C>T

Gene: RYR1 (ryanodine receptor 1; plus strand). Cytogenetic location: 19q13.2.
Variant type: single nucleotide variant.
Coding change: c.12624+14C>T on transcript NM_000540.3 (MANE Select); 14 bases into the intron after coding-DNA position 12624, C replaced by T.
Molecular consequence: intron variant.
Genome position (GRCh38, 1-based): chr19:38,561,468, C>T. VCF-style: chr19-38561468-C-T. GRCh37 (hg19) VCF-style: chr19-39052108-C-T.
Other names: c.12609+14C>T (NM_001042723.2).
Identifiers: ClinVar variation 159833 (VCV000159833.23), dbSNP rs75797287, ClinGen allele CA023990.

ClinVar aggregate classification (germline): Benign. Review status: criteria provided, multiple submitters, no conflicts (2 of 4 stars). 11 submissions from 9 submitters: Benign (9). 2 of the submissions do not count toward it. Last evaluated 2026-02-04.

Conditions:
RYR1-related disorder. Also called: RYR1-related disorders; RYR1-related condition. Identifiers: MedGen CN239331.
Congenital multicore myopathy with external ophthalmoplegia (CMYO1B). Also called: Congenital myopathy 1B, autosomal recessive; Minicore myopathy; MULTICORE MYOPATHY; Minicore myopathy with external ophthalmoplegia; MULTIMINICORE DISEASE WITH EXTERNAL OPHTHALMOPLEGIA. Identifiers: Orphanet 598, Orphanet 98905, MedGen C1850674, MONDO:0009712, OMIM 255320, HP:0003789.
Central core myopathy (CMYO1A). Also called: Central core disease; Myopathy, central fibrillar; CONGENITAL MYOPATHY 1A, AUTOSOMAL DOMINANT, WITH SUSCEPTIBILITY TO MALIGNANT HYPERTHERMIA. Identifiers: Orphanet 597, MedGen C5830701, MONDO:0007294, OMIM 117000.
Malignant hyperthermia, susceptibility to, 1 (MHS1). Also called: Anesthesia related hyperthermia; Malignant hyperpyrexia; Fulminating hyperpyrexia; Pharmacogenic myopathy; RYR1-Related Malignant Hyperthermia Susceptibility; Malignant hyperthermia suceptibility 1. Identifiers: Orphanet 423, MedGen C2930980, MONDO:0007783, OMIM 145600.

Allele frequency attached by ClinVar (database versions not stated): ESP Exome Variant Server 0.00015; TOPMed 0.01359; gnomAD exomes 0.01777; ExAC 0.01789; 1000 Genomes Project 30x 0.03904; 1000 Genomes Project 0.04333.
gnomAD v4.1: 12,154 of 1,600,464 alleles (0.76%); highest among the groups gnomAD compares: East Asian, 24%; 1,397 homozygotes.

Submissions (11):

Labcorp Genetics (formerly Invitae), Labcorp
Classification: Benign for RYR1-related disorder. Last evaluated: 2026-02-04. Review status: criteria provided, single submitter. Criteria: Invitae Variant Classification Sherloc (09022015). Collection method: clinical testing. Allele origin: germline.

Blueprint Genetics
Classification: Benign. Last evaluated: 2024-11-27. Review status: criteria provided, single submitter. Criteria: ACMG Guidelines, 2015. Collection method: clinical testing. Allele origin: germline.

Illumina Laboratory Services, Illumina
Classification: Benign for Congenital multicore myopathy with external ophthalmoplegia. Last evaluated: 2018-01-13. Review status: criteria provided, single submitter. Criteria: ICSL Variant Classification Criteria 13 December 2019. Collection method: clinical testing. Allele origin: germline.
Comment: This variant was observed in the ICSL laboratory as part of a predisposition screen in an ostensibly healthy population. It had not been previously curated by ICSL or reported in the Human Gene Mutation Database (HGMD: prior to June 1st, 2018), and was therefore a candidate for classification through an automated scoring system. Utilizing variant allele frequency, disease prevalence and penetrance estimates, and inheritance mode, an automated score was calculated to assess if this variant is too frequent to cause the disease. Based on the score and internal cut-off values, a variant classified as benign is not then subjected to further curation. The score for this variant resulted in a classification of benign for this disease.

Illumina Laboratory Services, Illumina
Classification: Benign for Malignant hyperthermia, susceptibility to, 1. Last evaluated: 2018-01-13. Review status: criteria provided, single submitter. Criteria: ICSL Variant Classification Criteria 13 December 2019. Collection method: clinical testing. Allele origin: germline.
Comment: the same text as in the submission from Illumina Laboratory Services, Illumina above.

Illumina Laboratory Services, Illumina
Classification: Benign for Central core myopathy. Last evaluated: 2018-01-13. Review status: criteria provided, single submitter. Criteria: ICSL Variant Classification Criteria 13 December 2019. Collection method: clinical testing. Allele origin: germline.
Comment: the same text as in the submission from Illumina Laboratory Services, Illumina above.

PreventionGenetics, part of Exact Sciences
Classification: Benign. Last evaluated: 2017-11-08. Review status: criteria provided, single submitter. Criteria: ACMG Guidelines, 2015. Collection method: clinical testing. Allele origin: germline.

GeneDx
Classification: Benign. Last evaluated: 2016-05-18. Review status: criteria provided, single submitter. Criteria: GeneDx Variant Classification (06012015). Collection method: clinical testing. Allele origin: germline. Affected: yes.
Comment: This variant is considered likely benign or benign based on one or more of the following criteria: it is a conservative change, it occurs at a poorly conserved position in the protein, it is predicted to be benign by multiple in silico algorithms, and/or has population frequency not consistent with disease.

Genetic Services Laboratory, University of Chicago
Classification: Benign. Last evaluated: 2013-02-08. Review status: criteria provided, single submitter. Criteria: ACMG Guidelines, 2007. Collection method: clinical testing. Allele origin: germline. Inheritance: Autosomal unknown.

Breakthrough Genomics
Classification: Benign. Review status: criteria provided, single submitter. Criteria: ACMG Guidelines, 2015. Collection method: not provided. Allele origin: germline. Inheritance: Autosomal recessive inheritance. Affected: yes.

Joint Genome Diagnostic Labs from Nijmegen and Maastricht, Radboudumc and MUMC+
Classification: Benign. Review status: no assertion criteria provided. Collection method: clinical testing. Allele origin: germline. Affected: yes. Study: VKGL Data-share Consensus. Not counted in ClinVar's aggregate classification.

Laboratory of Diagnostic Genome Analysis, Leiden University Medical Center (LUMC)
Classification: Likely benign. Review status: no assertion criteria provided. Collection method: clinical testing. Allele origin: germline. Affected: yes. Study: VKGL Data-share Consensus. Not counted in ClinVar's aggregate classification.